The following is an entry in ClinVar:

NM_000059.4(BRCA2):c.3040A>G (p.Asn1014Asp)

Gene: BRCA2 (BRCA2 DNA repair associated; plus strand). Cytogenetic location: 13q13.1.
Variant type: single nucleotide variant.
Coding change: c.3040A>G on transcript NM_000059.4 (MANE Select); coding-DNA position 3040, A replaced by G.
Protein change: p.Asn1014Asp; replaces asparagine 1014 with aspartic acid.
Molecular consequence: missense variant.
Genome position (GRCh38, 1-based): chr13:32,337,395, A>G. VCF-style: chr13-32337395-A-G. GRCh37 (hg19) VCF-style: chr13-32911532-A-G.
Other names: short protein forms N1014D.
Identifiers: ClinVar variation 822692 (VCV000822692.15), dbSNP rs1390034820, ClinGen allele CA387774989.

ClinVar aggregate classification (germline): Conflicting classifications of pathogenicity. Review status: criteria provided, conflicting classifications (1 of 4 stars). 5 submissions from 5 submitters: Uncertain significance (4); Likely benign (1). Last evaluated 2025-08-14.

Conditions:
BRCA2-related cancer predisposition. Identifiers: MedGen CN377758, MONDO:0700269.
Hereditary cancer-predisposing syndrome. Also called: Tumor predisposition; Hereditary Cancer Syndrome; Neoplastic Syndromes, Hereditary; Hereditary neoplastic syndrome. Identifiers: Orphanet 140162, MedGen C0027672, MeSH D009386, MONDO:0015356.
Hereditary breast ovarian cancer syndrome. Also called: Hereditary breast and ovarian cancer; Breast and ovarian cancer; Hereditary breast and/or ovarian cancer syndrome; Hereditary breast and ovarian cancer syndrome; BRCA1- and BRCA2-Associated Hereditary Breast and Ovarian Cancer; Hereditary breast and ovarian cancer syndrome (HBOC). Identifiers: Orphanet 145, MedGen C0677776, MeSH D061325, MONDO:0003582. Disease mechanism: loss of function.

Allele frequency attached by ClinVar (database versions not stated): gnomAD exomes below 0.00001.
gnomAD v4.1: 2 of 1,613,840 alleles (0.00012%); highest among the groups gnomAD compares: East Asian, 0.0022%; no homozygotes.

Submissions (5):

Ambry Genetics
Classification: Uncertain significance for Hereditary cancer-predisposing syndrome. Last evaluated: 2025-08-14. Review status: criteria provided, single submitter. Criteria: Ambry Variant Classification Scheme 2023. Collection method: clinical testing. Allele origin: germline.
Comment: The p.N1014D variant (also known as c.3040A>G), located in coding exon 10 of the BRCA2 gene, results from an A to G substitution at nucleotide position 3040. The asparagine at codon 1014 is replaced by aspartic acid, an amino acid with highly similar properties. This amino acid position is highly conserved in available vertebrate species. In addition, the in silico prediction for this alteration is inconclusive. Since supporting evidence is limited at this time, the clinical significance of this alteration remains unclear.

All of Us Research Program, National Institutes of Health
Classification: Uncertain significance for BRCA2-related cancer predisposition. Last evaluated: 2024-08-06. Review status: criteria provided, single submitter. Criteria: ACMG Guidelines, 2015. Collection method: clinical testing. Allele origin: germline. Inheritance: Autosomal dominant inheritance. Observed: 1 variant allele, 1 heterozygote.
Comment: This study involves interpretation of variants in research participants for the purpose of population health screening. Participant phenotype was not available at the time of variant classification. Additional details can be found in publication PMID: 35346344, PMCID: PMC8962531

Color Diagnostics, LLC DBA Color Health
Classification: Uncertain significance for Hereditary cancer-predisposing syndrome. Last evaluated: 2023-04-17. Review status: criteria provided, single submitter. Criteria: ACMG Guidelines, 2015. Collection method: clinical testing. Allele origin: germline.
Comment: This missense variant replaces asparagine with aspartic acid at codon 1014 of the BRCA2 protein. Computational prediction is inconclusive regarding the impact of this variant on protein structure and function (internally defined REVEL score threshold 0.5 < inconclusive < 0.7, PMID: 27666373). To our knowledge, functional studies have not been reported for this variant. This variant has not been reported in individuals affected with BRCA2-related disorders in the literature. This variant has been identified in 1/250634 chromosomes in the general population by the Genome Aggregation Database (gnomAD). The available evidence is insufficient to determine the role of this variant in disease conclusively. Therefore, this variant is classified as a Variant of Uncertain Significance.

University of Washington Department of Laboratory Medicine, University of Washington
Classification: Likely benign for Hereditary cancer-predisposing syndrome. Last evaluated: 2023-03-23. Review status: criteria provided, single submitter. Criteria: Dines et al. (Genet Med. 2020). Collection method: curation. Allele origin: germline.
Comment: Missense variant in a coldspot region where missense variants are very unlikely to be pathogenic (PMID:31911673).

BRCA2 exon 11 coldspot. Reclassification based on statistical prior probability.

Labcorp Genetics (formerly Invitae), Labcorp
Classification: Uncertain significance for Hereditary breast ovarian cancer syndrome. Last evaluated: 2022-08-03. Review status: criteria provided, single submitter. Criteria: Invitae Variant Classification Sherloc (09022015). Collection method: clinical testing. Allele origin: germline.
Comment: This variant is present in population databases (no rsID available, gnomAD 0.006%). In summary, the available evidence is currently insufficient to determine the role of this variant in disease. Therefore, it has been classified as a Variant of Uncertain Significance. Advanced modeling of protein sequence and biophysical properties (such as structural, functional, and spatial information, amino acid conservation, physicochemical variation, residue mobility, and thermodynamic stability) performed at Invitae indicates that this missense variant is not expected to disrupt BRCA2 protein function. ClinVar contains an entry for this variant (Variation ID: 822692). This variant has not been reported in the literature in individuals affected with BRCA2-related conditions. This sequence change replaces asparagine, which is neutral and polar, with aspartic acid, which is acidic and polar, at codon 1014 of the BRCA2 protein (p.Asn1014Asp).